The following is an entry in ClinVar:

NM_001792.5(CDH2):c.2176A>G (p.Ile726Val)

Gene: CDH2 (cadherin 2; minus strand). Cytogenetic location: 18q12.1.
Variant type: single nucleotide variant.
Coding change: c.2176A>G on transcript NM_001792.5 (MANE Select); coding-DNA position 2176, A replaced by G.
Protein change: p.Ile726Val; replaces isoleucine 726 with valine.
Molecular consequence: missense variant.
Genome position (GRCh38, 1-based): chr18:27,985,033, T>C on the plus strand (A>G on the coding strand, the complement: CDH2 is on the minus strand). VCF-style: chr18-27985033-T-C. GRCh37 (hg19) VCF-style: chr18-25564997-T-C.
Other names: c.2083A>G, p.Ile695Val (NM_001308176.2); short protein forms I695V, I726V.
Identifiers: ClinVar variation 3488841 (VCV003488841.2).

ClinVar aggregate classification (germline): Uncertain significance. Review status: criteria provided, multiple submitters, no conflicts (2 of 4 stars). 2 submissions from 2 submitters: Uncertain significance (2). Last evaluated 2025-12-29.

Conditions:
Inborn genetic diseases. Identifiers: MedGen C0950123, MeSH D030342.

gnomAD v4.1: 3 of 1,613,998 alleles (0.00019%); highest among the groups gnomAD compares: Middle Eastern, 0.016%; no homozygotes.

Submissions (2):

Labcorp Genetics (formerly Invitae), Labcorp
Classification: Uncertain significance. Last evaluated: 2025-12-29. Review status: criteria provided, single submitter. Criteria: Invitae Variant Classification Sherloc (09022015). Collection method: clinical testing. Allele origin: germline.
Comment: This sequence change replaces isoleucine, which is neutral and non-polar, with valine, which is neutral and non-polar, at codon 726 of the CDH2 protein (p.Ile726Val). This variant is not present in population databases (gnomAD no frequency). This variant has not been reported in the literature in individuals affected with CDH2-related conditions. ClinVar contains an entry for this variant (Variation ID: 3488841). An algorithm developed to predict the effect of missense changes on protein structure and function outputs the following: PolyPhen-2: "Benign". The valine amino acid residue is found in multiple mammalian species, which suggests that this missense change does not adversely affect protein function. In summary, the available evidence is currently insufficient to determine the role of this variant in disease. Therefore, it has been classified as a Variant of Uncertain Significance.

Ambry Genetics
Classification: Uncertain significance for Inborn genetic diseases. Last evaluated: 2024-08-28. Review status: criteria provided, single submitter. Criteria: Ambry Variant Classification Scheme 2023. Collection method: clinical testing. Allele origin: germline.
Comment: The p.I726V variant (also known as c.2176A>G), located in coding exon 13 of the CDH2 gene, results from an A to G substitution at nucleotide position 2176. The isoleucine at codon 726 is replaced by valine, an amino acid with highly similar properties. This amino acid position is conserved. In addition, this alteration is predicted to be tolerated by in silico analysis. Based on the available evidence, the clinical significance of this variant remains unclear.